The following is an entry in ClinVar:

ClinVar aggregate classification (germline): Uncertain significance (1 of 4 stars; one submission).

Conditions:
Aortic valve disease 2 (AOVD2). Identifiers: MedGen C3542024, MONDO:0013902, OMIM 614823.

Submission:

Labcorp Genetics (formerly Invitae), Labcorp
Classification: Uncertain significance for Aortic valve disease 2. Last evaluated: 2022-09-01. Review status: criteria provided, single submitter. Criteria: Invitae Variant Classification Sherloc (09022015). Collection method: clinical testing. Allele origin: germline.
Comment: This variant is not present in population databases (gnomAD no frequency). This sequence change creates a premature translational stop signal (p.Tyr347*) in the SMAD6 gene. While this is not anticipated to result in nonsense mediated decay, it is expected to disrupt the last 150 amino acid(s) of the SMAD6 protein. This variant has not been reported in the literature in individuals affected with SMAD6-related conditions. In summary, the available evidence is currently insufficient to determine the role of this variant in disease. Therefore, it has been classified as a Variant of Uncertain Significance.

NM_005585.5(SMAD6):c.1041_1044del (p.Leu346_Tyr347insTer)

Gene: SMAD6 (SMAD family member 6; plus strand). Cytogenetic location: 15q22.31.
Variant type: Deletion.
Coding change: c.1041_1044del on transcript NM_005585.5 (MANE Select); coding-DNA positions 1041 to 1044, 4 bases deleted (TGCG; older notation c.1041_1044delTGCG).
Protein change: p.Leu346_Tyr347insTer.
Molecular consequence: nonsense. On other transcripts: non-coding transcript variant (1).
Genome position (GRCh38, 1-based): chr15:66,781,085-66,781,088, TGCG deleted. VCF-style (leftmost placement, unchanged base first): chr15-66781084-ATGCG-A. GRCh37 (hg19) VCF-style: chr15-67073422-ATGCG-A.
Identifiers: ClinVar variation 2111638 (VCV002111638.4), dbSNP rs2541896626, ClinGen allele CA2580089887.
Genomic context (GRCh38, chr15:66,781,084, plus strand): 5'-AGCCGAGCCACTGGTGCAGCGTGGCGTACTGGGAGCACCGGACGCGCGTGGGCCGCCTCT[ATGCG>A]GTGTACGACCAGGCCGTCAGCATCTTCTACGACCTACCTCAGGGCAGCGGCTTCTGCCTG-3'